The following is an entry in ClinVar:

NM_000038.6(APC):c.5033_5035del (p.Gly1678del)

Gene: APC (APC regulator of Wnt signaling pathway; plus strand). Cytogenetic location: 5q22.2.
Variant type: Deletion.
Coding change: c.5033_5035del on transcript NM_000038.6 (MANE Select); coding-DNA positions 5033 to 5035, 3 bases deleted (GGG; older notation c.5033_5035delGGG).
Protein change: p.Gly1678del; deletes glycine 1678.
Molecular consequence: inframe deletion.
Genome position (GRCh38, 1-based): chr5:112,840,627-112,840,629, GGG deleted; deleting any 3 consecutive bases within chr5:112,840,626-112,840,629 gives the same sequence; the c. name uses the placement nearest the transcript's 3' end. VCF-style (leftmost placement, unchanged base first): chr5-112840625-AGGG-A. GRCh37 (hg19) VCF-style: chr5-112176322-AGGG-A.
Other names: c.5033_5035del, p.Gly1678del (NM_001127510.3, NM_001354895.2); c.4979_4981del, p.Gly1660del (NM_001127511.3); c.5087_5089del, p.Gly1696del (NM_001354896.2); c.5063_5065del, p.Gly1688del (NM_001354897.2); c.4958_4960del, p.Gly1653del (NM_001354898.2); c.4949_4951del, p.Gly1650del (NM_001354899.2); c.4910_4912del, p.Gly1637del (NM_001354900.2); c.4856_4858del, p.Gly1619del (NM_001354901.2); and 5 more; short protein forms G1660del, G1678del, G1395del, G1577del, G1587del, G1619del, G1650del, G1518del.
Identifiers: ClinVar variation 229988 (VCV000229988.5), dbSNP rs876658321, ClinGen allele CA10578389.

ClinVar aggregate classification (germline): Uncertain significance (1 of 4 stars; one submission).

Conditions:
Hereditary cancer-predisposing syndrome. Also called: Hereditary neoplastic syndrome; Hereditary Cancer Syndrome; Neoplastic Syndromes, Hereditary; Tumor predisposition. Identifiers: Orphanet 140162, MedGen C0027672, MeSH D009386, MONDO:0015356.

Submission:

Ambry Genetics
Classification: Uncertain significance for Hereditary cancer-predisposing syndrome. Last evaluated: 2015-01-06. Review status: criteria provided, single submitter. Criteria: Ambry Variant Classification Scheme 2023. Collection method: clinical testing. Allele origin: germline.
Comment: The c.5033_5035delGGG variant (also known as p.G1678del) located in coding exon 15 of the APC gene. This variant results from an in-frame deletion of 3 nucleotides at positions 5033 to 5035 and causes the removal of a well-conserved glycine residue at codon 1678. This variant was not reported in population based cohorts in the following databases: Database of Single Nucleotide Polymorphisms (dbSNP), NHLBI Exome Sequencing Project (ESP), and 1000 Genomes Project. In the ESP, this variant was not observed in 6502 samples (13004 alleles) with coverage at this position. To date, this alteration has been detected with an allele frequency of approximately 0.005% (greater than 21000 alleles tested) in our clinical cohort. Since supporting evidence is limited at this time, the clinical significance of c.5033_5035delGGG remains unclear.